The following is an entry in ClinVar:

NM_004408.4(DNM1):c.332C>G (p.Thr111Ser)

Genes: DNM1 (dynamin 1; plus strand), LOC113839516 (Sharpr-MPRA regulatory region 8497; plus strand). Cytogenetic location: 9q34.11.
Variant type: single nucleotide variant.
Coding change: c.332C>G on transcript NM_004408.4 (MANE Select); coding-DNA position 332, C replaced by G.
Protein change: p.Thr111Ser; replaces threonine 111 with serine.
Molecular consequence: missense variant.
Genome position (GRCh38, 1-based): chr9:128,218,678, C>G. VCF-style: chr9-128218678-C-G. GRCh37 (hg19) VCF-style: chr9-130980957-C-G.
Other names: p.Thr111Ser; c.332C>G, p.Thr111Ser (NM_001005336.3, NM_001288737.2, NM_001288738.2 and 1 more transcripts); short protein forms T111S.
Identifiers: ClinVar variation 383891 (VCV000383891.19), dbSNP rs192913494, ClinGen allele CA5257779.

ClinVar aggregate classification (germline): Benign/Likely benign. Review status: criteria provided, multiple submitters, no conflicts (2 of 4 stars). 6 submissions from 6 submitters: Benign (4); Likely benign (2). Last evaluated 2025-12-16.

Conditions:
Developmental and epileptic encephalopathy, 31A. Also called: Epileptic encephalopathy, early infantile, 31; Developmental and epileptic encephalopathy, 31. Identifiers: Orphanet 2382, MedGen C4225357, MONDO:0014598, OMIM 616346.
Inborn genetic diseases. Identifiers: MedGen C0950123, MeSH D030342.

Allele frequency attached by ClinVar (database versions not stated): ESP Exome Variant Server 0.00008; gnomAD exomes 0.00041 and 0.00193; gnomAD 0.00066 and 0.00079; TOPMed 0.00102; ExAC 0.00191; 1000 Genomes Project 30x 0.00390; 1000 Genomes Project 0.00419.
gnomAD v4.1: 777 of 1,612,858 alleles (0.048%); highest among the groups gnomAD compares: East Asian, 1.5%; 5 homozygotes.

Submissions (6):

Labcorp Genetics (formerly Invitae), Labcorp
Classification: Benign for Developmental and epileptic encephalopathy, 31A. Last evaluated: 2025-12-16. Review status: criteria provided, single submitter. Criteria: Invitae Variant Classification Sherloc (09022015). Collection method: clinical testing. Allele origin: germline.

Mayo Clinic Laboratories, Mayo Clinic
Classification: Benign. Last evaluated: 2025-04-16. Review status: criteria provided, single submitter. Criteria: ACMG Guidelines, 2015. Collection method: clinical testing. Allele origin: germline. Observed: 1 variant allele.
Comment: BA1

Blueprint Genetics
Classification: Likely benign. Last evaluated: 2024-10-04. Review status: criteria provided, single submitter. Criteria: ACMG Guidelines, 2015. Collection method: clinical testing. Allele origin: germline.

Fulgent Genetics
Classification: Likely benign for Developmental and epileptic encephalopathy, 31A. Last evaluated: 2021-12-23. Review status: criteria provided, single submitter. Criteria: ACMG Guidelines, 2015. Collection method: clinical testing. Allele origin: unknown.

Ambry Genetics
Classification: Benign for Inborn genetic diseases. Last evaluated: 2016-04-20. Review status: criteria provided, single submitter. Criteria: Ambry Variant Classification Scheme 2023. Collection method: clinical testing. Allele origin: germline.

GeneDx
Classification: Benign. Last evaluated: 2016-03-29. Review status: criteria provided, single submitter. Criteria: GeneDx Variant Classification (06012015). Collection method: clinical testing. Allele origin: germline. Affected: yes.
Comment: This variant is considered likely benign or benign based on one or more of the following criteria: it is a conservative change, it occurs at a poorly conserved position in the protein, it is predicted to be benign by multiple in silico algorithms, and/or has population frequency not consistent with disease.